The following is an entry in ClinVar:

NM_001128922.2(LRRC32):c.1467G>C (p.Leu489=)

Genes: LRRC32-AS1 (LRRC32 antisense RNA 1; plus strand), LRRC32 (leucine rich repeat containing 32; minus strand). Cytogenetic location: 11q13.5.
Variant type: single nucleotide variant.
Coding change: c.1467G>C on transcript NM_001128922.2 (MANE Select); coding-DNA position 1467, G replaced by C.
Protein change: p.Leu489=; no amino-acid change (leucine 489 retained).
Molecular consequence: synonymous variant. On other transcripts: non-coding transcript variant (1), intron variant (1).
Genome position (GRCh38, 1-based): chr11:76,660,126, C>G on the plus strand (G>C on the coding strand, the complement: LRRC32 is on the minus strand). VCF-style: chr11-76660126-C-G. GRCh37 (hg19) VCF-style: chr11-76371170-C-G.
Other names: c.1467G>C, p.Leu489= (NM_001370187.1, NM_001370188.1, NM_005512.3); c.1401G>C, p.Leu467= (NM_001370189.1); c.1137G>C, p.Leu379= (NM_001370190.1); c.85-2092G>C (NM_001370191.1).
Identifiers: ClinVar variation 3257062 (VCV003257062.17).
Genomic context (GRCh38, chr11:76,660,126, plus strand): 5'-GTCCACCTGCAGGACCATCAGCCCGTTGCCCTGCAGTGCCAGGACCTCCAAGGAGGCCTC[C>G]AGGCCTCCCAAGGCCCCCGTGGCCACCTCCAGCCCAGGATTGGAAGAAAGGTCCAGCTCA-3'
Protein context (NP_001122394.1, residues 479-499): LEVATGALGG[Leu489=]EASLEVLALQ

ClinVar aggregate classification (germline): Likely benign (1 of 4 stars; one submission).

Submission:

CeGaT Center for Human Genetics Tuebingen
Classification: Likely benign. Last evaluated: 2024-07-01. Review status: criteria provided, single submitter. Criteria: CeGaT Center For Human Genetics Tuebingen Variant Classification Criteria Version 2. Collection method: clinical testing. Allele origin: germline. Affected: yes. Observed: 1 variant allele.
Comment: LRRC32: PM2:Supporting, BP4, BP7